The following is an entry in ClinVar:

ClinVar aggregate classification (germline): Uncertain significance (1 of 4 stars; one submission).

Allele frequency attached by ClinVar (database versions not stated): TOPMed 0.00001.

Submission:

GeneDx
Classification: Uncertain significance. Last evaluated: 2023-04-17. Review status: criteria provided, single submitter. Criteria: GeneDx Variant Classification Process June 2021. Collection method: clinical testing. Allele origin: germline. Affected: yes.
Comment: Not observed at significant frequency in large population cohorts (gnomAD); In silico analysis supports that this missense variant has a deleterious effect on protein structure/function; Has not been previously published as pathogenic or benign to our knowledge

NM_020442.6(VARS2):c.379T>C (p.Tyr127His)

Gene: VARS2 (valyl-tRNA synthetase 2, mitochondrial; plus strand). Cytogenetic location: 6p21.33.
Variant type: single nucleotide variant.
Coding change: c.379T>C on transcript NM_020442.6 (MANE Select); coding-DNA position 379, T replaced by C.
Protein change: p.Tyr127His; replaces tyrosine 127 with histidine.
Molecular consequence: missense variant. On other transcripts: 5 prime UTR variant (1).
Genome position (GRCh38, 1-based): chr6:30,915,450, T>C. VCF-style: chr6-30915450-T-C. GRCh37 (hg19) VCF-style: chr6-30883227-T-C.
Other names: c.-42T>C (NM_001167733.3); c.469T>C, p.Tyr157His (NM_001167734.2); short protein forms Y127H, Y157H.
Identifiers: ClinVar variation 2662571 (VCV002662571.1), dbSNP rs1250079725, ClinGen allele CA363165728.